The following is an entry in ClinVar:

ClinVar aggregate classification (germline): Uncertain significance (1 of 4 stars; one submission).

Conditions:
CHARGE syndrome (CHARGE). Also called: CHARGE ASSOCIATION--COLOBOMA, HEART ANOMALY, CHOANAL ATRESIA, RETARDATION, GENITAL AND EAR ANOMALIES; Coloboma, heart anomaly, choanal atresia, retardation, genital and ear anomalies; CHARGE association; Hall-Hittner syndrome; Hittner Hirsch Kreh syndrome. Identifiers: Orphanet 138, MedGen C0265354, MONDO:0008965.

Submission:

Labcorp Genetics (formerly Invitae), Labcorp
Classification: Uncertain significance for CHARGE syndrome. Last evaluated: 2022-08-23. Review status: criteria provided, single submitter. Criteria: Invitae Variant Classification Sherloc (09022015). Collection method: clinical testing. Allele origin: germline.
Comment: In summary, the available evidence is currently insufficient to determine the role of this variant in disease. Therefore, it has been classified as a Variant of Uncertain Significance. Advanced modeling of protein sequence and biophysical properties (such as structural, functional, and spatial information, amino acid conservation, physicochemical variation, residue mobility, and thermodynamic stability) performed at Invitae indicates that this missense variant is not expected to disrupt CHD7 protein function. ClinVar contains an entry for this variant (Variation ID: 852707). This variant has not been reported in the literature in individuals affected with CHD7-related conditions. This variant is not present in population databases (gnomAD no frequency). This sequence change replaces alanine, which is neutral and non-polar, with threonine, which is neutral and polar, at codon 1347 of the CHD7 protein (p.Ala1347Thr).

NM_017780.4(CHD7):c.4039G>A (p.Ala1347Thr)

Gene: CHD7 (chromodomain helicase DNA binding protein 7; plus strand). Cytogenetic location: 8q12.2.
Variant type: single nucleotide variant.
Coding change: c.4039G>A on transcript NM_017780.4 (MANE Select); coding-DNA position 4039, G replaced by A.
Protein change: p.Ala1347Thr; replaces alanine 1347 with threonine.
Molecular consequence: missense variant. On other transcripts: intron variant (1).
Genome position (GRCh38, 1-based): chr8:60,836,866, G>A. VCF-style: chr8-60836866-G-A. GRCh37 (hg19) VCF-style: chr8-61749425-G-A.
Other names: c.1717-25363G>A (NM_001316690.1); short protein forms A1347T.
Identifiers: ClinVar variation 852707 (VCV000852707.9), dbSNP rs1804767147, ClinGen allele CA371316668.